The following is an entry in ClinVar:

ClinVar aggregate classification (germline): Uncertain significance (1 of 4 stars; one submission).

Conditions:
Cardiomyopathy (CMYO). Also called: Cardiomyopathies. Identifiers: Orphanet 167848, MedGen C0878544, MONDO:0004994, HP:0001638. Inheritance: Various modes of inheritance.

Allele frequency attached by ClinVar (database versions not stated): gnomAD exomes below 0.00001; TOPMed below 0.00001; gnomAD 0.00001.
gnomAD v4.1: 3 of 1,614,058 alleles (0.00019%); highest among the groups gnomAD compares: Non-Finnish European, 0.00025%; no homozygotes.

Submission:

Color Diagnostics, LLC DBA Color Health
Classification: Uncertain significance for Cardiomyopathy. Last evaluated: 2024-03-07. Review status: criteria provided, single submitter. Criteria: ACMG Guidelines, 2015. Collection method: clinical testing. Allele origin: germline.
Comment: This missense variant replaces asparagine with serine at codon 180 of the TNNT2 protein. Computational prediction suggests that this variant may not impact protein structure and function (internally defined REVEL score threshold <= 0.5, PMID: 27666373). To our knowledge, functional studies have not been reported for this variant. This variant has not been reported in individuals affected with cardiovascular disorders in the literature. This variant has not been identified in the general population by the Genome Aggregation Database (gnomAD). The available evidence is insufficient to determine the role of this variant in disease conclusively. Therefore, this variant is classified as a Variant of Uncertain Significance.

NM_001276345.2(TNNT2):c.569A>G (p.Asn190Ser)

Gene: TNNT2 (troponin T2, cardiac type; minus strand). Cytogenetic location: 1q32.1.
Variant type: single nucleotide variant.
Coding change: c.569A>G on transcript NM_001276345.2 (MANE Select); coding-DNA position 569, A replaced by G.
Protein change: p.Asn190Ser; replaces asparagine 190 with serine.
Molecular consequence: missense variant.
Genome position (GRCh38, 1-based): chr1:201,363,327, T>C on the plus strand (A>G on the coding strand, the complement: TNNT2 is on the minus strand). VCF-style: chr1-201363327-T-C. GRCh37 (hg19) VCF-style: chr1-201332455-T-C.
Other names: c.569A>G, p.Asn190Ser (NM_000364.4, NM_001406723.1); c.539A>G, p.Asn180Ser (NM_001001430.3, NM_001001431.3, NM_001276347.2 and 3 more transcripts); c.524A>G, p.Asn175Ser (NM_001001432.3, NM_001406728.1); c.449A>G, p.Asn150Ser (NM_001276346.2); c.536A>G, p.Asn179Ser (NM_001406725.1); short protein forms N179S, N190S, N150S, N175S, N180S.
Identifiers: ClinVar variation 2774635 (VCV002774635.2), dbSNP rs1258765331, ClinGen allele CA344204347.